The following is an entry in ClinVar:

ClinVar aggregate classification (germline): Conflicting classifications of pathogenicity. Review status: criteria provided, conflicting classifications (1 of 4 stars). 5 submissions from 5 submitters: Uncertain significance (4); Likely benign (1). Last evaluated 2026-02-03.

Conditions:
Fanconi anemia (FA). Also called: Fanconi's anemia. Identifiers: Orphanet 84, MedGen C0015625, MeSH D005199, MONDO:0019391.

Allele frequency attached by ClinVar (database versions not stated): TOPMed 0.00006; gnomAD 0.00007 and 0.00008.
gnomAD v4.1: 65 of 1,608,792 alleles (0.004%); highest among the groups gnomAD compares: East Asian, 0.0045%; no homozygotes.

Submissions (5):

Labcorp Genetics (formerly Invitae), Labcorp
Classification: Uncertain significance for Fanconi anemia. Last evaluated: 2026-02-03. Review status: criteria provided, single submitter. Criteria: Invitae Variant Classification Sherloc (09022015). Collection method: clinical testing. Allele origin: germline.
Comment: This sequence change replaces arginine, which is basic and polar, with histidine, which is basic and polar, at codon 1456 of the FANCM protein (p.Arg1456His). This variant is present in population databases (rs749332566, gnomAD 0.009%). This missense change has been observed in individual(s) with breast cancer (PMID: 36707629). ClinVar contains an entry for this variant (Variation ID: 456271). An algorithm developed to predict the effect of missense changes on protein structure and function outputs the following: PolyPhen-2: "Benign". The histidine amino acid residue is found in multiple mammalian species, which suggests that this missense change does not adversely affect protein function. In summary, the available evidence is currently insufficient to determine the role of this variant in disease. Therefore, it has been classified as a Variant of Uncertain Significance.

GeneDx
Classification: Uncertain significance. Last evaluated: 2025-02-05. Review status: criteria provided, single submitter. Criteria: GeneDx Variant Classification Process June 2021. Collection method: clinical testing. Allele origin: germline. Affected: yes.
Comment: Not observed at significant frequency in large population cohorts (gnomAD); In silico analysis indicates that this missense variant does not alter protein structure/function; This variant is associated with the following publications: (PMID: 31133750, 28881617, 35982159, 33471991, 36707629)

CeGaT Center for Human Genetics Tuebingen
Classification: Uncertain significance. Last evaluated: 2024-08-01. Review status: criteria provided, single submitter. Criteria: CeGaT Center For Human Genetics Tuebingen Variant Classification Criteria Version 2. Collection method: clinical testing. Allele origin: germline. Affected: yes. Observed: 1 variant allele.
Comment: FANCM: PM2, PS4:Supporting, BP1, BP4

Quest Diagnostics Nichols Institute San Juan Capistrano
Classification: Uncertain significance. Last evaluated: 2024-07-02. Review status: criteria provided, single submitter. Criteria: Quest Diagnostics criteria. Collection method: clinical testing. Allele origin: unknown.
Comment: The FANCM c.4367G>A (p.Arg1456His) variant has been identified in the published literature in individuals with breast cancer and reportedly healthy individuals (PMID: 36707629 (2023), 33471991 (2021), see also LOVD). The frequency of this variant in the general population, 0.000094 (12/128092 chromosomes (Genome Aggregation Database)), is uninformative in the assessment of its pathogenicity. Analysis of this variant using bioinformatics tools for the prediction of the effect of amino acid changes on protein structure and function yielded predictions that this variant is benign. Based on the available information, we are unable to determine the clinical significance of this variant.

Blueprint Genetics
Classification: Likely benign. Last evaluated: 2023-02-06. Review status: criteria provided, single submitter. Criteria: ACMG Guidelines, 2015. Collection method: clinical testing. Allele origin: germline.

Literature cited by the submitters: PubMed 36707629 (cited by Labcorp Genetics (formerly Invitae), Labcorp and Quest Diagnostics Nichols Institute San Juan Capistrano); PubMed 33471991 (cited by Quest Diagnostics Nichols Institute San Juan Capistrano).

NM_020937.4(FANCM):c.4367G>A (p.Arg1456His)

Gene: FANCM (FA complementation group M; plus strand). Cytogenetic location: 14q21.2.
Variant type: single nucleotide variant.
Coding change: c.4367G>A on transcript NM_020937.4 (MANE Select); coding-DNA position 4367, G replaced by A.
Protein change: p.Arg1456His; replaces arginine 1456 with histidine.
Molecular consequence: missense variant.
Genome position (GRCh38, 1-based): chr14:45,181,686, G>A. VCF-style: chr14-45181686-G-A. GRCh37 (hg19) VCF-style: chr14-45650889-G-A.
Other names: c.4289G>A, p.Arg1430His (NM_001308133.2); c.4367G>A (NM_020937.3, LRG_502t1); short protein forms R1456H, R1430H.
Identifiers: ClinVar variation 456271 (VCV000456271.33), dbSNP rs749332566, ClinGen allele CA7169708.